The following is an entry in ClinVar:

ClinVar aggregate classification (germline): Uncertain significance (1 of 4 stars; one submission).

Conditions:
Autosomal dominant Robinow syndrome 3. Identifiers: Orphanet 3107, Orphanet 97360, MedGen C4225164, MONDO:0014819, OMIM 616894.

gnomAD v4.1: 2 of 1,612,808 alleles (0.00012%); highest among the groups gnomAD compares: Non-Finnish European, 0.00017%; no homozygotes.

Submission:

Victorian Clinical Genetics Services, Murdoch Childrens Research Institute
Classification: Uncertain significance for Autosomal dominant Robinow syndrome 3. Last evaluated: 2024-10-11. Review status: criteria provided, single submitter. Criteria: ACMG Guidelines, 2015. Collection method: clinical testing. Allele origin: germline. Inheritance: Autosomal dominant inheritance. Affected: yes.
Comment: Based on the classification scheme VCGS_Germline_v1.3.5, this variant is classified as VUS-3C. Following criteria are met: 0105 - The mechanism of disease for this gene is not clearly established. (I) 0107 - This gene is associated with autosomal dominant disease. (I) 0200 - Variant is predicted to result in a missense amino acid change from proline to alanine. (I) 0251 - This variant is heterozygous. (I) 0302 - Variant is present in gnomAD (v4) <0.001 for a dominant condition (2 heterozygotes, 0 homozygotes). (SP) 0309 - An alternative amino acid change at the same position has been observed in gnomAD (v2; 1 heterozygote, 0 homozygotes). (I) 0502 - Missense variant with conflicting in silico predictions and uninformative conservation. (I) 0600 - Variant is located in the annotated PDZ domain (DECIPHER). (I) 0705 - No comparable missense variants have previous evidence for pathogenicity. (I) 0807 - This variant has no previous evidence of pathogenicity. (I) 0905 - No published segregation evidence has been identified for this variant. (I) 1007 - No published functional evidence has been identified for this variant. (I) 1207 - Parental origin of the variant is unresolved. (I) Legend: (SP) - Supporting pathogenic, (I) - Information, (SB) - Supporting benign

NM_004423.4(DVL3):c.883C>G (p.Pro295Ala)

Gene: DVL3 (dishevelled segment polarity protein 3; plus strand). Cytogenetic location: 3q27.1.
Variant type: single nucleotide variant.
Coding change: c.883C>G on transcript NM_004423.4 (MANE Select); coding-DNA position 883, C replaced by G.
Protein change: p.Pro295Ala; replaces proline 295 with alanine.
Molecular consequence: missense variant.
Genome position (GRCh38, 1-based): chr3:184,166,245, C>G. VCF-style: chr3-184166245-C-G. GRCh37 (hg19) VCF-style: chr3-183884033-C-G.
Other names: short protein forms P295A.
Identifiers: ClinVar variation 3377076 (VCV003377076.1).